The following is an entry in ClinVar:

NM_003482.4(KMT2D):c.11047C>T (p.Gln3683Ter)

Gene: KMT2D (lysine methyltransferase 2D; minus strand). Cytogenetic location: 12q13.12.
Variant type: single nucleotide variant.
Coding change: c.11047C>T on transcript NM_003482.4 (MANE Select); coding-DNA position 11047, C replaced by T.
Protein change: p.Gln3683Ter; replaces glutamine 3683 with a stop codon.
Molecular consequence: nonsense.
Genome position (GRCh38, 1-based): chr12:49,033,658, G>A on the plus strand (C>T on the coding strand, the complement: KMT2D is on the minus strand). VCF-style: chr12-49033658-G-A. GRCh37 (hg19) VCF-style: chr12-49427441-G-A.
Other names: short protein forms Q3683*.
Identifiers: ClinVar variation 635179 (VCV000635179.10), dbSNP rs1565779530, ClinGen allele CA384723932.
Genomic context (GRCh38, chr12:49,033,658, plus strand): 5'-TGCCAGGGAAGAAGCCCCCTGAAGGGCCAGCCAGGGATCCAGCCCCACCAGAATGTTGCT[G>A]TTGCTGCTGTTGGGCCAGAGCTGTATTAAGGAAGGGGCCACCAGGCTGTCCAGGTAGTGC-3'

ClinVar aggregate classification (germline): Pathogenic (1 of 4 stars; one submission).
ClinVar aggregate classification (oncogenicity): Likely oncogenic (0 of 4 stars; one submission).

Conditions:
Kabuki syndrome. Also called: Kabuki make-up syndrome; NIIKAWA-KUROKI SYNDROME. Identifiers: Orphanet 2322, MedGen C0796004, MONDO:0016512.
Cavernous sinus meningioma. Identifiers: MedGen C1332865, MONDO:0002996.

Submissions (2):

Labcorp Genetics (formerly Invitae), Labcorp
Classification: Pathogenic for Kabuki syndrome. Last evaluated: 2020-03-05. Review status: criteria provided, single submitter. Criteria: Invitae Variant Classification Sherloc (09022015). Collection method: clinical testing. Allele origin: germline.
Comment: This sequence change creates a premature translational stop signal (p.Gln3683*) in the KMT2D gene. It is expected to result in an absent or disrupted protein product. This variant is not present in population databases (ExAC no frequency). This variant has been observed in individual(s) with Kabuki syndrome (PMID: 21671394). ClinVar contains an entry for this variant (Variation ID: 635179). Loss-of-function variants in KMT2D are known to be pathogenic (PMID: 22126750). For these reasons, this variant has been classified as Pathogenic.

Genome Sciences Centre, British Columbia Cancer Agency
Classification: Likely oncogenic for Cavernous sinus meningioma. Last evaluated: 2019-05-21. Review status: no assertion criteria provided. Collection method: research. Allele origin: somatic. Affected: yes.

Literature cited by the submitters: PubMed 21671394 (cited by Labcorp Genetics (formerly Invitae), Labcorp); PubMed 22126750 (cited by Labcorp Genetics (formerly Invitae), Labcorp).